The following is an entry in ClinVar:

NM_001110556.2(FLNA):c.7822C>T (p.His2608Tyr)

Genes: FLNA (filamin A; minus strand), LOC107988032 (Xq28 proximal FLNA-EMD recombination region; plus strand). Cytogenetic location: Xq28.
Variant type: single nucleotide variant.
Coding change: c.7822C>T on transcript NM_001110556.2 (MANE Select); coding-DNA position 7822, C replaced by T.
Protein change: p.His2608Tyr; replaces histidine 2608 with tyrosine.
Molecular consequence: missense variant.
Genome position (GRCh38, 1-based): chrX:154,348,971, G>A on the plus strand (C>T on the coding strand, the complement: FLNA is on the minus strand). VCF-style: chrX-154348971-G-A. GRCh37 (hg19) VCF-style: chrX-153577339-G-A.
Other names: c.7798C>T, p.His2600Tyr (NM_001456.4); c.7822C>T (NM_001110556.1); short protein forms H2608Y, H2600Y.
Identifiers: ClinVar variation 413396 (VCV000413396.12), dbSNP rs781993962, ClinGen allele CA10559822.

ClinVar aggregate classification (germline): Benign/Likely benign. Review status: criteria provided, multiple submitters, no conflicts (2 of 4 stars). 3 submissions from 3 submitters: Benign (2); Likely benign (1). Last evaluated 2026-01-12.

Conditions:
Frontometaphyseal dysplasia (FMD1). Identifiers: Orphanet 1826, MedGen C0265293, MONDO:0015942.
Heterotopia, periventricular, X-linked dominant (PVNH1). Also called: PERIVENTRICULAR NODULAR HETEROTOPIA 4; HETEROTOPIA, PERIVENTRICULAR, 1; PERIVENTRICULAR NODULAR HETEROTOPIA 1; X-linked periventricular heterotopia. Identifiers: Orphanet 2149, Orphanet 82004, MedGen C1848213, MONDO:0010233, OMIM 300049.
Melnick-Needles syndrome (MNS). Also called: OSTEODYSPLASTY OF MELNICK AND NEEDLES; Melnick-Needles Syndrome (FLNA-MNS); MELNICK-NEEDLES OSTEODYSPLASTY. Identifiers: Orphanet 2484, MedGen C0025237, MONDO:0010650, OMIM 309350.
Oto-palato-digital syndrome, type II (OPD2). Also called: Otopalatodigital Syndrome Type 2 (FLNA-OPD2); FACIOPALATOOSSEOUS SYNDROME; Otopalatodigital Syndrome, Type II; OPD II SYNDROME. Identifiers: Orphanet 669, Orphanet 90652, MedGen C1844696, MONDO:0010571, OMIM 304120.
FLNA-related disorder.

Allele frequency attached by ClinVar (database versions not stated): gnomAD below 0.00001 and 0.00003; gnomAD exomes 0.00018 and 0.00008; 1000 Genomes Project 0.00026; 1000 Genomes Project 30x 0.00042; ExAC 0.00017.
gnomAD v4.1: 92 of 1,209,883 alleles (0.0076%); highest among the groups gnomAD compares: South Asian, 0.16%; no homozygotes.

Submissions (3):

Labcorp Genetics (formerly Invitae), Labcorp
Classification: Benign for Oto-palato-digital syndrome, type II; Heterotopia, periventricular, X-linked dominant; Frontometaphyseal dysplasia; Melnick-Needles syndrome. Last evaluated: 2026-01-12. Review status: criteria provided, single submitter. Criteria: Invitae Variant Classification Sherloc (09022015). Collection method: clinical testing. Allele origin: germline.

PreventionGenetics, part of Exact Sciences
Classification: Likely benign for FLNA-related condition. Last evaluated: 2025-11-20. Review status: criteria provided, single submitter. Criteria: ACMG Guidelines, 2015. Collection method: clinical testing. Allele origin: germline.
Comment: This variant is classified as likely benign based on ACMG/AMP sequence variant interpretation guidelines (Richards et al. 2015 PMID: 25741868, with internal and published modifications).

GeneDx
Classification: Benign. Last evaluated: 2020-03-24. Review status: criteria provided, single submitter. Criteria: GeneDx Variant Classification Process June 2021. Collection method: clinical testing. Allele origin: germline. Affected: yes.
Comment: Reported in an individual with single suture craniosynostosis (Clarke et al., 2018); In silico analysis, which includes protein predictors and evolutionary conservation, supports a deleterious effect; This variant is associated with the following publications: (PMID: 29168297)